The following is an entry in ClinVar:

NM_000520.6(HEXA):c.426del (p.Phe142fs)

Gene: HEXA (hexosaminidase subunit alpha; minus strand). Cytogenetic location: 15q23.
Variant type: Deletion.
Coding change: c.426del on transcript NM_000520.6 (MANE Select); coding-DNA position 426, one base deleted (T; older notation c.426delT).
Protein change: p.Phe142fs; shifts the reading frame from phenylalanine 142.
Molecular consequence: frameshift variant. On other transcripts: non-coding transcript variant (1).
Genome position (GRCh38, 1-based): chr15:72,353,724, A deleted on the plus strand (T on the coding strand, the reverse complement: HEXA is on the minus strand); the first of 4 consecutive A bases (chr15:72,353,724-72,353,727); deleting any one gives the same sequence. VCF-style (leftmost placement, unchanged base first): chr15-72353723-TA-T. GRCh37 (hg19) VCF-style: chr15-72646064-TA-T.
Other names: c.459del, p.Phe153fs (NM_001318825.2); c.426del (NM_000520.5); short protein forms F142fs, F153fs.
Identifiers: ClinVar variation 375350 (VCV000375350.4), dbSNP rs1057519458, ClinGen allele CA16044211.

ClinVar aggregate classification (germline): Pathogenic. Review status: criteria provided, single submitter (1 of 4 stars). 2 submissions from 2 submitters: Pathogenic (1). 1 of the submissions does not count toward it. Last evaluated 2025-02-18.

Conditions:
Tay-Sachs disease (TSD). Also called: HEXA DEFICIENCY; GM2 gangliosidosis, type 1; Hexosaminidase alpha-subunit deficiency (variant B); Sphingolipidosis, Tay-Sachs; Hexosaminidase A Deficiency; HEXA Disorders. Identifiers: Orphanet 845, MedGen C0039373, MONDO:0010100, OMIM 272800.

Submissions (2):

Natera, Inc.
Classification: Pathogenic for Tay-Sachs disease. Last evaluated: 2025-02-18. Review status: criteria provided, single submitter. Criteria: Natera Variant Classification Schema (03/2026). Collection method: clinical testing. Allele origin: germline.
Comment: The c.426del variant in HEXA is a frameshift variant predicted to shift the reading frame beginning at codon 142 and leads to a stop codon 57 codons downstream. This variant is expected to result in nonsense mediated decay, truncation, or a dysfunctional protein product. This variant is rare in the general population with a frequency below the threshold expected for the associated phenotype(s). This variant has been observed in one or more individuals affected with the associated recessive disease, as either homozygous or compound heterozygous with a second variant (PMID: 22789865). Given the available evidence, this variant is classified as Pathogenic.

Foundation for Research in Genetics and Endocrinology, FRIGE's Institute of Human Genetics
Classification: Pathogenic for Tay-Sachs disease. Last evaluated: 2010-06-26. Review status: no assertion criteria provided. Collection method: research. Allele origin: germline. Inheritance: Autosomal recessive inheritance. Affected: yes. Observed: 1 homozygote. Not counted in ClinVar's aggregate classification.

Literature cited by the submitters: PubMed 22789865 (cited by Natera, Inc.); PubMed 27896118 (cited by Foundation for Research in Genetics and Endocrinology, FRIGE's Institute of Human Genetics).